The following is an entry in ClinVar:

ClinVar aggregate classification (germline): Uncertain significance (1 of 4 stars; one submission).

Conditions:
Cardiovascular phenotype. Identifiers: MedGen CN230736.

Submission:

Ambry Genetics
Classification: Uncertain significance for Cardiovascular phenotype. Last evaluated: 2024-08-20. Review status: criteria provided, single submitter. Criteria: Ambry Variant Classification Scheme 2023. Collection method: clinical testing. Allele origin: germline.
Comment: The p.G40R variant (also known as c.118G>A), located in coding exon 1 of the RBM20 gene, results from a G to A substitution at nucleotide position 118. The glycine at codon 40 is replaced by arginine, an amino acid with dissimilar properties. This amino acid position is well conserved in available vertebrate species. In addition, the in silico prediction for this alteration is inconclusive. Based on the available evidence, the clinical significance of this variant remains unclear.

NM_001134363.3(RBM20):c.118G>A (p.Gly40Arg)

Gene: RBM20 (RNA binding motif protein 20; plus strand). Cytogenetic location: 10q25.2.
Variant type: single nucleotide variant.
Coding change: c.118G>A on transcript NM_001134363.3 (MANE Select); coding-DNA position 118, G replaced by A.
Protein change: p.Gly40Arg; replaces glycine 40 with arginine.
Molecular consequence: missense variant.
Genome position (GRCh38, 1-based): chr10:110,644,572, G>A. VCF-style: chr10-110644572-G-A. GRCh37 (hg19) VCF-style: chr10-112404330-G-A.
Other names: short protein forms G40R.
Identifiers: ClinVar variation 3431224 (VCV003431224.1).
Genomic context (GRCh38, chr10:110,644,572, plus strand): 5'-GACAGAGTTGCCTGCAGTGTGCCTGGTGCCCGGGCGTCCCCGGCACCCTCCGGCCCGCGA[G>A]GGATGCAGCAGCCGCCGCCGCCGCCCCAGCCACCGCCCCCGCCCCAAGCCGGCCTACCCC-3'
Protein context (NP_001127835.2, residues 30-50): RASPAPSGPR[Gly40Arg]MQQPPPPPQP